The following is an entry in ClinVar:

NM_000426.4(LAMA2):c.917G>A (p.Arg306His)

Gene: LAMA2 (laminin subunit alpha 2; plus strand). Cytogenetic location: 6q22.33.
Variant type: single nucleotide variant.
Coding change: c.917G>A on transcript NM_000426.4 (MANE Select); coding-DNA position 917, G replaced by A.
Protein change: p.Arg306His; replaces arginine 306 with histidine.
Molecular consequence: missense variant.
Genome position (GRCh38, 1-based): chr6:129,148,986, G>A. VCF-style: chr6-129148986-G-A. GRCh37 (hg19) VCF-style: chr6-129470131-G-A.
Other names: c.917G>A, p.Arg306His (NM_001079823.2); short protein forms R306H.
Identifiers: ClinVar variation 452206 (VCV000452206.12), dbSNP rs1023922833, ClinGen allele CA365606489.

ClinVar aggregate classification (germline): Uncertain significance. Review status: criteria provided, multiple submitters, no conflicts (2 of 4 stars). 5 submissions from 5 submitters: Uncertain significance (5). Last evaluated 2024-12-19.

Conditions:
LAMA2-related muscular dystrophy (LAMA2-RD). Also called: Laminin alpha 2-related dystrophy. Identifiers: MedGen C5679788, MONDO:0100228.
Merosin deficient congenital muscular dystrophy (MDC1A). Also called: Congenital Muscular Dystrophy Type 1A (MDC1A); Congenital merosin-deficient muscular dystrophy 1A. Identifiers: Orphanet 258, MedGen C1263858, MONDO:0011925, OMIM 607855.

Allele frequency attached by ClinVar (database versions not stated): TOPMed 0.00003.

Submissions (5):

Revvity Omics, Revvity
Classification: Uncertain significance. Last evaluated: 2024-12-19. Review status: criteria provided, single submitter. Criteria: ACMG Guidelines, 2015. Collection method: clinical testing. Allele origin: germline.

GeneDx
Classification: Uncertain significance. Last evaluated: 2024-08-11. Review status: criteria provided, single submitter. Criteria: GeneDx Variant Classification Process June 2021. Collection method: clinical testing. Allele origin: germline. Affected: yes.
Comment: Not observed at significant frequency in large population cohorts (gnomAD); In silico analysis indicates that this missense variant does not alter protein structure/function; This variant is associated with the following publications: (PMID: 31130284)

Labcorp Genetics (formerly Invitae), Labcorp
Classification: Uncertain significance for LAMA2-related muscular dystrophy. Last evaluated: 2022-07-12. Review status: criteria provided, single submitter. Criteria: Invitae Variant Classification Sherloc (09022015). Collection method: clinical testing. Allele origin: germline.
Comment: This sequence change replaces arginine, which is basic and polar, with histidine, which is basic and polar, at codon 306 of the LAMA2 protein (p.Arg306His). This variant is present in population databases (no rsID available, gnomAD 0.005%). This missense change has been observed in individual(s) with clinical features of LAMA2-related conditions (PMID: 31130284). ClinVar contains an entry for this variant (Variation ID: 452206). Advanced modeling of protein sequence and biophysical properties (such as structural, functional, and spatial information, amino acid conservation, physicochemical variation, residue mobility, and thermodynamic stability) performed at Invitae indicates that this missense variant is not expected to disrupt LAMA2 protein function. In summary, the available evidence is currently insufficient to determine the role of this variant in disease. Therefore, it has been classified as a Variant of Uncertain Significance.

Baylor Genetics
Classification: Uncertain significance for Merosin deficient congenital muscular dystrophy. Last evaluated: 2020-01-17. Review status: criteria provided, single submitter. Criteria: ACMG Guidelines, 2015. Collection method: clinical testing. Allele origin: unknown. Affected: yes.
Comment: This variant was determined to be of uncertain significance according to ACMG Guidelines, 2015 [PMID:25741868].

Mayo Clinic Laboratories, Mayo Clinic
Classification: Uncertain significance. Last evaluated: 2019-05-26. Review status: criteria provided, single submitter. Criteria: ACMG Guidelines, 2015. Collection method: clinical testing. Allele origin: germline. Observed: 2 variant alleles.

Literature cited by the submitters: PubMed 31130284 (cited by Labcorp Genetics (formerly Invitae), Labcorp).